The following is an entry in ClinVar:

ClinVar aggregate classification (germline): Likely benign (1 of 4 stars; one submission).

Submission:

CeGaT Center for Human Genetics Tuebingen
Classification: Likely benign. Last evaluated: 2022-11-01. Review status: criteria provided, single submitter. Criteria: CeGaT Center For Human Genetics Tuebingen Variant Classification Criteria Version 2. Collection method: clinical testing. Allele origin: germline. Affected: yes. Observed: 1 variant allele.
Comment: MAD2L1: BP4, BP7

NM_002358.4(MAD2L1):c.54A>G (p.Glu18=)

Gene: MAD2L1 (mitotic arrest deficient 2 like 1; minus strand). Cytogenetic location: 4q27.
Variant type: single nucleotide variant.
Coding change: c.54A>G on transcript NM_002358.4 (MANE Select); coding-DNA position 54, A replaced by G.
Protein change: p.Glu18=; no amino-acid change (glutamic acid 18 retained).
Molecular consequence: synonymous variant.
Genome position (GRCh38, 1-based): chr4:120,066,681, T>C on the plus strand (A>G on the coding strand, the complement: MAD2L1 is on the minus strand). VCF-style: chr4-120066681-T-C. GRCh37 (hg19) VCF-style: chr4-120987836-T-C.
Identifiers: ClinVar variation 2655056 (VCV002655056.24), dbSNP rs1166219164, ClinGen allele CA441066921.